The following is an entry in ClinVar:

ClinVar aggregate classification (germline): Uncertain significance (1 of 4 stars; one submission).

Submission:

Labcorp Genetics (formerly Invitae), Labcorp
Classification: Uncertain significance. Last evaluated: 2021-12-02. Review status: criteria provided, single submitter. Criteria: Invitae Variant Classification Sherloc (09022015). Collection method: clinical testing. Allele origin: germline.
Comment: This sequence change replaces lysine, which is basic and polar, with asparagine, which is neutral and polar, at codon 203 of the FGFRL1 protein (p.Lys203Asn). This variant is not present in population databases (gnomAD no frequency). This variant has not been reported in the literature in individuals affected with FGFRL1-related conditions. Algorithms developed to predict the effect of missense changes on protein structure and function are either unavailable or do not agree on the potential impact of this missense change (SIFT: "Tolerated"; PolyPhen-2: "Possibly Damaging"; Align-GVGD: "Class C0"). In summary, the available evidence is currently insufficient to determine the role of this variant in disease. Therefore, it has been classified as a Variant of Uncertain Significance.

NM_001004356.3(FGFRL1):c.609G>C (p.Lys203Asn)

Gene: FGFRL1 (fibroblast growth factor receptor like 1; plus strand). Cytogenetic location: 4p16.3.
Variant type: single nucleotide variant.
Coding change: c.609G>C on transcript NM_001004356.3 (MANE Select); coding-DNA position 609, G replaced by C.
Protein change: p.Lys203Asn; replaces lysine 203 with asparagine.
Molecular consequence: missense variant.
Genome position (GRCh38, 1-based): chr4:1,023,992, G>C. VCF-style: chr4-1023992-G-C. GRCh37 (hg19) VCF-style: chr4-1017780-G-C.
Other names: c.609G>C, p.Lys203Asn (NM_001004358.1, NM_001370296.1, NM_021923.3); short protein forms K203N.
Identifiers: ClinVar variation 1359490 (VCV001359490.8), dbSNP rs547516754, ClinGen allele CA355931640.